The following is an entry in ClinVar:

ClinVar aggregate classification (germline): Uncertain significance (1 of 4 stars; one submission).

Conditions:
Deficiency of galactokinase. Also called: GALACTOSEMIA II; Galactokinase deficiency with cataracts. Identifiers: Orphanet 352, Orphanet 79237, MedGen C0268155, MONDO:0009255, OMIM 230200.

Allele frequency attached by ClinVar (database versions not stated): TOPMed 0.00001.
gnomAD v4.1: 22 of 1,610,662 alleles (0.0014%); highest among the groups gnomAD compares: Non-Finnish European, 0.0019%; no homozygotes.

Submission:

Labcorp Genetics (formerly Invitae), Labcorp
Classification: Uncertain significance for Deficiency of galactokinase. Last evaluated: 2021-09-02. Review status: criteria provided, single submitter. Criteria: Invitae Variant Classification Sherloc (09022015). Collection method: clinical testing. Allele origin: germline.
Comment: This sequence change replaces asparagine with threonine at codon 39 of the GALK1 protein (p.Asn39Thr). The asparagine residue is moderately conserved and there is a small physicochemical difference between asparagine and threonine. This variant is not present in population databases (ExAC no frequency). This variant has not been reported in the literature in individuals affected with GALK1-related conditions. Algorithms developed to predict the effect of missense changes on protein structure and function are either unavailable or do not agree on the potential impact of this missense change (SIFT: "Deleterious"; PolyPhen-2: "Probably Damaging"; Align-GVGD: "Class C0"). In summary, the available evidence is currently insufficient to determine the role of this variant in disease. Therefore, it has been classified as a Variant of Uncertain Significance.

NM_000154.2(GALK1):c.116A>C (p.Asn39Thr)

Gene: GALK1 (galactokinase 1; minus strand). Cytogenetic location: 17q25.1.
Variant type: single nucleotide variant.
Coding change: c.116A>C on transcript NM_000154.2 (MANE Select); coding-DNA position 116, A replaced by C.
Protein change: p.Asn39Thr; replaces asparagine 39 with threonine.
Molecular consequence: missense variant.
Genome position (GRCh38, 1-based): chr17:75,765,021, T>G on the plus strand (A>C on the coding strand, the complement: GALK1 is on the minus strand). VCF-style: chr17-75765021-T-G. GRCh37 (hg19) VCF-style: chr17-73761102-T-G.
Other names: c.116A>C, p.Asn39Thr (NM_001381985.1); short protein forms N39T.
Identifiers: ClinVar variation 1040056 (VCV001040056.2), dbSNP rs536209426, ClinGen allele CA401109558.